The following is an entry in ClinVar:

NM_001282534.2(KCNK9):c.999G>T (p.Lys333Asn)

Gene: KCNK9 (potassium two pore domain channel subfamily K member 9; minus strand). Cytogenetic location: 8q24.3.
Variant type: single nucleotide variant.
Coding change: c.999G>T on transcript NM_001282534.2 (MANE Select); coding-DNA position 999, G replaced by T.
Protein change: p.Lys333Asn; replaces lysine 333 with asparagine.
Molecular consequence: missense variant. On other transcripts: non-coding transcript variant (1).
Genome position (GRCh38, 1-based): chr8:139,618,384, C>A on the plus strand (G>T on the coding strand, the complement: KCNK9 is on the minus strand). VCF-style: chr8-139618384-C-A. GRCh37 (hg19) VCF-style: chr8-140630627-C-A.
Other names: short protein forms K333N.
Identifiers: ClinVar variation 3341694 (VCV003341694.16).

ClinVar aggregate classification (germline): Uncertain significance (1 of 4 stars; one submission).

Submission:

CeGaT Center for Human Genetics Tuebingen
Classification: Uncertain significance. Last evaluated: 2024-08-01. Review status: criteria provided, single submitter. Criteria: CeGaT Center For Human Genetics Tuebingen Variant Classification Criteria Version 2. Collection method: clinical testing. Allele origin: germline. Affected: yes. Observed: 1 variant allele.
Comment: KCNK9: PM2, PP2, BP4